The following is an entry in ClinVar:

NM_005732.4(RAD50):c.2267A>G (p.Asn756Ser)

Gene: RAD50 (RAD50 double strand break repair protein; plus strand). Cytogenetic location: 5q31.1.
Variant type: single nucleotide variant.
Coding change: c.2267A>G on transcript NM_005732.4 (MANE Select); coding-DNA position 2267, A replaced by G.
Protein change: p.Asn756Ser; replaces asparagine 756 with serine.
Molecular consequence: missense variant.
Genome position (GRCh38, 1-based): chr5:132,603,359, A>G. VCF-style: chr5-132603359-A-G. GRCh37 (hg19) VCF-style: chr5-131939051-A-G.
Other names: short protein forms N756S.
Identifiers: ClinVar variation 1992730 (VCV001992730.4), dbSNP rs1750921503, ClinGen allele CA360954168.
Genomic context (GRCh38, chr5:132,603,359, plus strand): 5'-GGCAAAGCATAATTGATTTGAAGGAGAAGGAAATACCAGAATTAAGAAACAAACTGCAGA[A>G]TGTCAATAGAGACATACAGCGCCTAAAGAACGACATAGAAGAACAAGAAACACTCTTGGG-3'
Protein context (NP_005723.2, residues 746-766): EIPELRNKLQ[Asn756Ser]VNRDIQRLKN

ClinVar aggregate classification (germline): Uncertain significance (1 of 4 stars; one submission).

Conditions:
Hereditary cancer-predisposing syndrome. Also called: Tumor predisposition; Hereditary Cancer Syndrome; Hereditary neoplastic syndrome; Neoplastic Syndromes, Hereditary. Identifiers: Orphanet 140162, MedGen C0027672, MeSH D009386, MONDO:0015356.

Submission:

Labcorp Genetics (formerly Invitae), Labcorp
Classification: Uncertain significance for Hereditary cancer-predisposing syndrome. Last evaluated: 2022-05-10. Review status: criteria provided, single submitter. Criteria: Invitae Variant Classification Sherloc (09022015). Collection method: clinical testing. Allele origin: germline.
Comment: Algorithms developed to predict the effect of missense changes on protein structure and function output the following: SIFT: "Tolerated"; PolyPhen-2: "Benign"; Align-GVGD: "Class C0". The serine amino acid residue is found in multiple mammalian species, which suggests that this missense change does not adversely affect protein function. This sequence change replaces asparagine, which is neutral and polar, with serine, which is neutral and polar, at codon 756 of the RAD50 protein (p.Asn756Ser). This variant is not present in population databases (gnomAD no frequency). This variant has not been reported in the literature in individuals affected with RAD50-related conditions. In summary, the available evidence is currently insufficient to determine the role of this variant in disease. Therefore, it has been classified as a Variant of Uncertain Significance.